The following is an entry in ClinVar:

NM_005411.5(SFTPA1):c.577C>T (p.Pro193Ser)

Gene: SFTPA1 (surfactant protein A1; plus strand). Cytogenetic location: 10q22.3.
Variant type: single nucleotide variant.
Coding change: c.577C>T on transcript NM_005411.5 (MANE Select); coding-DNA position 577, C replaced by T.
Protein change: p.Pro193Ser; replaces proline 193 with serine.
Molecular consequence: missense variant.
Genome position (GRCh38, 1-based): chr10:79,613,943, C>T. VCF-style: chr10-79613943-C-T. GRCh37 (hg19) VCF-style: chr10-81373699-C-T.
Other names: c.622C>T, p.Pro208Ser (NM_001093770.3); c.577C>T, p.Pro193Ser (NM_001164644.2, NM_001164647.1); c.475C>T, p.Pro159Ser (NM_001164645.2); c.430C>T, p.Pro144Ser (NM_001164646.2); short protein forms P193S, P208S, P144S, P159S.
Identifiers: ClinVar variation 165201 (VCV000165201.5), dbSNP rs139806726, ClinGen allele CA177933.

ClinVar aggregate classification (germline): Uncertain significance (1 of 4 stars; one submission).

Allele frequency attached by ClinVar (database versions not stated): ExAC 0.00007; gnomAD exomes 0.00009; TOPMed 0.00009; gnomAD 0.00010 and 0.00011; ESP Exome Variant Server 0.00031.

Submission:

Laboratory for Molecular Medicine, Mass General Brigham Personalized Medicine
Classification: Uncertain significance. Last evaluated: 2013-09-18. Review status: criteria provided, single submitter. Criteria: LMM Criteria. Collection method: clinical testing. Allele origin: germline. Observed: 2 variant alleles.
Comment: Variant classified as Uncertain Significance - Favor Benign. The Pro208Ser varia nt in SFTPA1 has not been previously identified in individuals with idiopathic p ulmonary fibrosis, but has been identified in 0.05% (4/8592) European American c hromosomes by the NHLBI Exome Sequencing Project (VS/; dbSNP rs139806726). Proline (Pro) at position 208 is poorly conserved in ev olution and at least 2 mammalian species (elephant and rock hyrax) carry the var iant amino acid (serine, Ser), raising the possibility that this change may be t olerated. Additional computational analyses (biochemical amino acid properties, AlignGVGD, PolyPhen2, and SIFT) suggest that this variant may not impact the pro tein, though this information is not predictive enough to rule out pathogenicity . In summary, the lack of evolutionary conservation suggests that this variant m ay be more likely benign, but additional information is needed to fully assess i ts clinical significance.